The following is an entry in ClinVar:

NM_001999.4(FBN2):c.2507C>T (p.Thr836Met)

Gene: FBN2 (fibrillin 2; minus strand). Cytogenetic location: 5q23.3.
Variant type: single nucleotide variant.
Coding change: c.2507C>T on transcript NM_001999.4 (MANE Select); coding-DNA position 2507, C replaced by T.
Protein change: p.Thr836Met; replaces threonine 836 with methionine.
Molecular consequence: missense variant.
Genome position (GRCh38, 1-based): chr5:128,361,770, G>A on the plus strand (C>T on the coding strand, the complement: FBN2 is on the minus strand). VCF-style: chr5-128361770-G-A. GRCh37 (hg19) VCF-style: chr5-127697463-G-A.
Other names: short protein forms T836M.
Identifiers: ClinVar variation 561298 (VCV000561298.13), dbSNP rs957177447, ClinGen allele CA127029967.
Genomic context (GRCh38, chr5:128,361,770, plus strand): 5'-AGACAGCTCTTACCTTCACAGGTCTCTGTCTCAGTCCTGAACACATACCCTGGTGGGCAC[G>A]TACAGCTGTAACTTCCTGGCGTGTTTCGGCACAATCCGTTATCACAAAGCAGTCTGTTTA-3'
Protein context (NP_001990.2, residues 826-846): CRNTPGSYSC[Thr836Met]CPPGYVFRTE

ClinVar aggregate classification (germline): Uncertain significance. Review status: criteria provided, multiple submitters, no conflicts (2 of 4 stars). 3 submissions from 3 submitters: Uncertain significance (3). Last evaluated 2024-04-25.

Conditions:
Congenital contractural arachnodactyly (CCA). Also called: BEALS SYNDROME; Arthrogryposis, distal, type 9; Beals-Hecht syndrome. Identifiers: Orphanet 115, MedGen C0220668, MONDO:0007363, OMIM 121050.
Connective tissue disorder. Also called: Connective tissue disease. Identifiers: MedGen C0009782, MONDO:0003900.

Allele frequency attached by ClinVar (database versions not stated): gnomAD exomes below 0.00001; TOPMed below 0.00001.
gnomAD v4.1: 18 of 1,614,030 alleles (0.0011%); highest among the groups gnomAD compares: South Asian, 0.0077%; no homozygotes.

Submissions (3):

Labcorp Genetics (formerly Invitae), Labcorp
Classification: Uncertain significance for Congenital contractural arachnodactyly. Last evaluated: 2024-04-25. Review status: criteria provided, single submitter. Criteria: Invitae Variant Classification Sherloc (09022015). Collection method: clinical testing. Allele origin: germline.
Comment: This sequence change replaces threonine, which is neutral and polar, with methionine, which is neutral and non-polar, at codon 836 of the FBN2 protein (p.Thr836Met). This variant is present in population databases (no rsID available, gnomAD 0.003%). This variant has not been reported in the literature in individuals affected with FBN2-related conditions. ClinVar contains an entry for this variant (Variation ID: 561298). Advanced modeling of protein sequence and biophysical properties (such as structural, functional, and spatial information, amino acid conservation, physicochemical variation, residue mobility, and thermodynamic stability) performed at Invitae indicates that this missense variant is not expected to disrupt FBN2 protein function with a negative predictive value of 80%. In summary, the available evidence is currently insufficient to determine the role of this variant in disease. Therefore, it has been classified as a Variant of Uncertain Significance.

GeneDx
Classification: Uncertain significance. Last evaluated: 2022-07-27. Review status: criteria provided, single submitter. Criteria: GeneDx Variant Classification Process June 2021. Collection method: clinical testing. Allele origin: germline. Affected: yes.
Comment: Not observed at significant frequency in large population cohorts (gnomAD); In silico analysis supports that this missense variant has a deleterious effect on protein structure/function; Observed in an individual with Usher syndrome who also harbored a second FBN2 variant and a MYH14 variant (Bahena et al., 2022); Although located in a calcium-binding EGF-like domain of the FBN2 gene, it does not substitute or introduce a cysteine residue (Callewaert et al., 2009; Frederic et al., 2009); This variant is associated with the following publications: (PMID: 34148116, 19006240, 18767143)

Center for Human Genetics, Inc
Classification: Uncertain significance for Connective tissue disorder. Last evaluated: 2018-06-01. Review status: criteria provided, single submitter. Criteria: ACMG Guidelines, 2015. Collection method: clinical testing. Allele origin: germline. Affected: yes.